The following is an entry in ClinVar:

NM_004006.3(DMD):c.5326-3T>A

Gene: DMD (dystrophin; minus strand). Cytogenetic location: Xp21.1.
Variant type: single nucleotide variant.
Coding change: c.5326-3T>A on transcript NM_004006.3 (MANE Select); 3 bases into the intron before coding-DNA position 5326, T replaced by A.
Molecular consequence: intron variant.
Genome position (GRCh38, 1-based): chrX:32,348,531, A>T on the plus strand (T>A on the coding strand, the complement: DMD is on the minus strand). VCF-style: chrX-32348531-A-T. GRCh37 (hg19) VCF-style: chrX-32366648-A-T.
Other names: c.5302-3T>A (NM_000109.4); c.1303-3T>A (NM_004011.4); c.1294-3T>A (NM_004012.4); c.5314-3T>A (NM_004009.3); c.4957-3T>A (NM_004010.3).
Identifiers: ClinVar variation 1500726 (VCV001500726.6), dbSNP rs1388215542, ClinGen allele CA2573158799.
Genomic context (GRCh38, chrX:32,348,531, plus strand): 5'-CAAGCAATTTTTGTATATCTGAGTTAAACTGCTCCAATTCCTTCAAAGGAATGGAGGCCT[A>T]AAAAAAAAGATAGTGCTACTTTAAATCAAAATTACTTTTTATTAGAAACATAAACCAAAA-3'

ClinVar aggregate classification (germline): Uncertain significance (1 of 4 stars; one submission).

Conditions:
Duchenne muscular dystrophy (DMD). Also called: Duchenne Muscular Dystrophy (DMD); MUSCULAR DYSTROPHY, PSEUDOHYPERTROPHIC PROGRESSIVE, DUCHENNE TYPE. Identifiers: Orphanet 98896, MedGen C0013264, MONDO:0010679, OMIM 310200.

Submission:

Labcorp Genetics (formerly Invitae), Labcorp
Classification: Uncertain significance for Duchenne muscular dystrophy. Last evaluated: 2023-08-10. Review status: criteria provided, single submitter. Criteria: Invitae Variant Classification Sherloc (09022015). Collection method: clinical testing. Allele origin: germline.
Comment: In summary, the available evidence is currently insufficient to determine the role of this variant in disease. Therefore, it has been classified as a Variant of Uncertain Significance. Variants that disrupt the consensus splice site are a relatively common cause of aberrant splicing (PMID: 17576681, 9536098). Algorithms developed to predict the effect of sequence changes on RNA splicing suggest that this variant is not likely to affect RNA splicing. ClinVar contains an entry for this variant (Variation ID: 1500726). This variant has not been reported in the literature in individuals affected with DMD-related conditions. This variant is not present in population databases (gnomAD no frequency). This sequence change falls in intron 37 of the DMD gene. It does not directly change the encoded amino acid sequence of the DMD protein. It affects a nucleotide within the consensus splice site.

Literature cited by the submitters: PubMed 17576681; PubMed 9536098.